The following is an entry in ClinVar:

ClinVar aggregate classification (germline): Likely benign (0 of 4 stars; one submission).

Conditions:
CD93-related disorder. Also called: CD93-related condition.

Submission:

PreventionGenetics, part of Exact Sciences
Classification: Likely benign for CD93-related condition. Last evaluated: 2023-11-27. Review status: no assertion criteria provided. Collection method: clinical testing. Allele origin: germline.
Comment: This variant is classified as likely benign based on ACMG/AMP sequence variant interpretation guidelines (Richards et al. 2015 PMID: 25741868, with internal and published modifications).

NM_012072.4(CD93):c.1449GGA[1] (p.Glu484del)

Gene: CD93 (CD93 molecule; minus strand). Cytogenetic location: 20p11.21.
Variant type: Microsatellite.
Coding change: c.1449GGA[1] on transcript NM_012072.4 (MANE Select); one copy of the 3-base unit GGA starting at c.1449; the reference has two copies in a row; one copy, 3 bases deleted.
Protein change: p.Glu484del; deletes glutamic acid 484.
Genome position (GRCh38, 1-based): chr20:23,084,739-23,084,741, TCC deleted on the plus strand (GGA on the coding strand, the reverse complement: CD93 is on the minus strand); deleting any 3 consecutive bases within chr20:23,084,739-23,084,746 gives the same sequence; the position shown is the placement nearest the transcript's 3' end. VCF-style (leftmost placement, unchanged base first): chr20-23084738-GTCC-G. GRCh37 (hg19) VCF-style: chr20-23065375-GTCC-G.
Other names: short protein forms E484del.
Identifiers: ClinVar variation 3044385 (VCV003044385.2), dbSNP rs556056799, ClinGen allele CA9788011.
Genomic context (GRCh38, chr20:23,084,738, plus strand): 5'-GCCCCTTGTGGGACTGGCTGTTGCAGCACGGGGCACGGTGCTCCCTTCTTTCTCTCCTTT[GTCC>G]TCCTCATCGGGGGGCCCAGATGGTGGTCCCAGAGACACAGGCCCCATGGTGCAAGAGACC-3'